The following is an entry in ClinVar:

ClinVar aggregate classification (germline): Likely benign (0 of 4 stars; one submission).

Conditions:
RAI1-related disorder. Also called: RAI1-related condition.

Submission:

PreventionGenetics, part of Exact Sciences
Classification: Likely benign for RAI1-related condition. Last evaluated: 2021-04-07. Review status: no assertion criteria provided. Collection method: clinical testing. Allele origin: germline.
Comment: This variant is classified as likely benign based on ACMG/AMP sequence variant interpretation guidelines (Richards et al. 2015 PMID: 25741868, with internal and published modifications).

NM_030665.4(RAI1):c.2502T>C (p.Ala834=)

Gene: RAI1 (retinoic acid induced 1; plus strand). Cytogenetic location: 17p11.2.
Variant type: single nucleotide variant.
Coding change: c.2502T>C on transcript NM_030665.4 (MANE Select); coding-DNA position 2502, T replaced by C.
Protein change: p.Ala834=; no amino-acid change (alanine 834 retained).
Molecular consequence: synonymous variant.
Genome position (GRCh38, 1-based): chr17:17,795,450, T>C. VCF-style: chr17-17795450-T-C. GRCh37 (hg19) VCF-style: chr17-17698764-T-C.
Identifiers: ClinVar variation 3030709 (VCV003030709.2), dbSNP rs1337857817, ClinGen allele CA498423893.
Genomic context (GRCh38, chr17:17,795,450, plus strand): 5'-GGTGGGTGGGGTGAAGGAGGAGGCAGGTGGGCTGCTGCAGTGCCCCGAGGTGGCCAAGGC[T>C]GACCGGTGGCTGGAGGACAGCCGGCACTGCTGTTCCACCGCCGACTTCGGGGACCTCCCA-3'
Protein context (NP_109590.3, residues 824-844): GLLQCPEVAK[Ala834=]DRWLEDSRHC